The following is an entry in ClinVar:

NM_133510.4(RAD51B):c.-4C>T

Genes: RAD51B (RAD51 paralog B; plus strand), LOC112272550 (Sharpr-MPRA regulatory region 13811; plus strand). Cytogenetic location: 14q24.1.
Variant type: single nucleotide variant.
Coding change: c.-4C>T on transcript NM_133510.4 (MANE Select); 4 bases upstream of the start codon, C replaced by T.
Molecular consequence: 5 prime UTR variant.
Genome position (GRCh38, 1-based): chr14:67,819,852, C>T. VCF-style: chr14-67819852-C-T. GRCh37 (hg19) VCF-style: chr14-68286569-C-T.
Other names: c.-4C>T (NM_001321809.2, NM_001321810.2, NM_001321814.2 and 5 more transcripts); c.-459C>T (NM_001321817.2).
Identifiers: ClinVar variation 4575270 (VCV004575270.1).

ClinVar aggregate classification (germline): Uncertain significance (1 of 4 stars; one submission).

Submission:

Ambry Genetics
Classification: Uncertain significance. Last evaluated: 2025-11-06. Review status: criteria provided, single submitter. Criteria: Ambry Variant Classification Scheme 2023. Collection method: clinical testing. Allele origin: germline.
Comment: The c.-4C>T variant is located in the 5' untranslated region (5&rsquo; UTR) of the RAD51B gene. This variant results from a C to T substitution 4 bases upstream from the first translated codon. This nucleotide position is not well conserved in available vertebrate species. The evidence for this gene-disease relationship is limited; therefore, the clinical significance of this alteration is unclear.